The following is an entry in ClinVar:

NM_001378414.1(HDAC4):c.957C>T (p.Ala319=)

Gene: HDAC4 (histone deacetylase 4; minus strand). Cytogenetic location: 2q37.3.
Variant type: single nucleotide variant.
Coding change: c.957C>T on transcript NM_001378414.1 (MANE Select); coding-DNA position 957, C replaced by T.
Protein change: p.Ala319=; no amino-acid change (alanine 319 retained).
Molecular consequence: synonymous variant.
Genome position (GRCh38, 1-based): chr2:239,139,705, G>A on the plus strand (C>T on the coding strand, the complement: HDAC4 is on the minus strand). VCF-style: chr2-239139705-G-A. GRCh37 (hg19) VCF-style: chr2-240061401-G-A.
Other names: c.957C>T, p.Ala319= (NM_001378415.1, NM_001378416.1, NM_001378417.1 and 1 more transcripts).
Identifiers: ClinVar variation 767226 (VCV000767226.27), dbSNP rs142131540, ClinGen allele CA2199993.
Genomic context (GRCh38, chr2:239,139,705, plus strand): 5'-CTCTAGCCGTAGGACACAGGACAAACGCTTCGCACTGACCTCCGCCGGGATGCTGGGGAC[G>A]GCGGGCGCGATACCGTTCTCCGCGCTGACGCTCCCGGAGCTGTTGTTGGGTGAGCTGGGT-3'
Protein context (NP_001365343.1, residues 309-329): SVSAENGIAP[Ala319=]VPSIPAETSL

ClinVar aggregate classification (germline): Benign/Likely benign. Review status: criteria provided, multiple submitters, no conflicts (2 of 4 stars). 2 submissions from 2 submitters: Benign (1); Likely benign (1). Last evaluated 2023-01-01.

Allele frequency attached by ClinVar (database versions not stated): gnomAD exomes 0.00010; ExAC 0.00013; gnomAD 0.00016; TOPMed 0.00018; ESP Exome Variant Server 0.00046.
gnomAD v4.1: 94 of 1,613,934 alleles (0.0058%); highest among the groups gnomAD compares: African/African-American, 0.067%; 1 homozygote.

Submissions (2):

CeGaT Center for Human Genetics Tuebingen
Classification: Likely benign. Last evaluated: 2023-01-01. Review status: criteria provided, single submitter. Criteria: CeGaT Center For Human Genetics Tuebingen Variant Classification Criteria Version 2. Collection method: clinical testing. Allele origin: germline. Affected: yes. Observed: 1 variant allele.
Comment: HDAC4: BP4, BP7

Labcorp Genetics (formerly Invitae), Labcorp
Classification: Benign. Last evaluated: 2018-10-24. Review status: criteria provided, single submitter. Criteria: Invitae Variant Classification Sherloc (09022015). Collection method: clinical testing. Allele origin: germline.